The following is an entry in ClinVar:

ClinVar aggregate classification (germline): Pathogenic/Likely pathogenic. Review status: criteria provided, multiple submitters, no conflicts (2 of 4 stars). 4 submissions from 4 submitters: Pathogenic (3); Likely pathogenic (1). Last evaluated 2024-08-26.

Conditions:
Biotinidase deficiency. Also called: BTD deficiency; Late-onset biotin-responsive multiple carboxylase deficiency; Biotin deficiency. Identifiers: Orphanet 79241, MedGen C0220754, MONDO:0009665, OMIM 253260.
BTD-related disorder. Also called: BTD-related condition.

Submissions (4):

Blueprint Genetics
Classification: Likely pathogenic for BTD-related disorders. Last evaluated: 2024-08-26. Review status: criteria provided, single submitter. Criteria: ACMG Guidelines, 2015. Collection method: clinical testing. Allele origin: germline. Affected: yes. Observed: 1 variant allele.

Fulgent Genetics
Classification: Pathogenic for Biotinidase deficiency. Last evaluated: 2024-06-11. Review status: criteria provided, single submitter. Criteria: ACMG Guidelines, 2015. Collection method: clinical testing. Allele origin: germline.

Women's Health and Genetics/Laboratory Corporation of America, LabCorp
Classification: Pathogenic for Biotinidase deficiency. Last evaluated: 2024-05-30. Review status: criteria provided, single submitter. Criteria: LabCorp Variant Classification Summary - May 2015. Collection method: clinical testing. Allele origin: germline.
Comment: Variant summary: BTD c.1256C>A (p.Ala419Asp; also known as p.Ala439Asp in the literature) results in a non-conservative amino acid change in the encoded protein sequence. Five of five in-silico tools predict a damaging effect of the variant on protein function. The variant was absent in 251418 control chromosomes (gnomAD). c.1256C>A has been reported in the literature in individuals affected with both partial and profound biotinidase deficiency (Funghini_2020, Senanayake_2015, Bottin_2015), including two homozygous individuals where it was found in cis with another benign variant c.1353T>C (p.Cys451Cys; Senanayake_2015, Bottin_2015). All individuals who carried the variant showed reduced enzymatic activity, with homozygous individuals exhibiting <10% of normal activity. These data indicate that the variant is likely to be associated with disease. The following publications have been ascertained in the context of this evaluation (PMID: 26203071, 33312878, 28649532). ClinVar contains an entry for this variant (Variation ID: 2203320). Based on the evidence outlined above, the variant was classified as pathogenic.

Labcorp Genetics (formerly Invitae), Labcorp
Classification: Pathogenic for Biotinidase deficiency. Last evaluated: 2022-06-25. Review status: criteria provided, single submitter. Criteria: Invitae Variant Classification Sherloc (09022015). Collection method: clinical testing. Allele origin: germline.
Comment: This sequence change replaces alanine, which is neutral and non-polar, with aspartic acid, which is acidic and polar, at codon 439 of the BTD protein (p.Ala439Asp). This variant is not present in population databases (gnomAD no frequency). This missense change has been observed in individual(s) with biotinidase deficiency (PMID: 26203071, 28649532). Algorithms developed to predict the effect of missense changes on protein structure and function are either unavailable or do not agree on the potential impact of this missense change (SIFT: "Deleterious"; PolyPhen-2: "Probably Damaging"; Align-GVGD: "Class C0"). For these reasons, this variant has been classified as Pathogenic.

Literature cited by the submitters: PubMed 33312878 (cited by Women's Health and Genetics/Laboratory Corporation of America, LabCorp); PubMed 26203071 (cited by Women's Health and Genetics/Laboratory Corporation of America, LabCorp and Labcorp Genetics (formerly Invitae), Labcorp); PubMed 28649532 (cited by Women's Health and Genetics/Laboratory Corporation of America, LabCorp and Labcorp Genetics (formerly Invitae), Labcorp).

NM_001370658.1(BTD):c.1256C>A (p.Ala419Asp)

Gene: BTD (biotinidase; plus strand). Cytogenetic location: 3p25.1.
Variant type: single nucleotide variant.
Coding change: c.1256C>A on transcript NM_001370658.1 (MANE Select); coding-DNA position 1256, C replaced by A.
Protein change: p.Ala419Asp; replaces alanine 419 with aspartic acid.
Molecular consequence: missense variant. On other transcripts: intron variant (2).
Genome position (GRCh38, 1-based): chr3:15,645,172, C>A. VCF-style: chr3-15645172-C-A. GRCh37 (hg19) VCF-style: chr3-15686679-C-A.
Other names: c.1316C>A, p.Ala439Asp (NM_000060.4); c.1256C>A, p.Ala419Asp (NM_001281723.4, NM_001281724.3, NM_001281725.3 and 16 more transcripts); c.1015+241C>A (NM_001370752.1); c.399+3115C>A (NM_001370753.1); short protein forms A419D, A439D.
Identifiers: ClinVar variation 2203320 (VCV002203320.7), dbSNP rs779141922, ClinGen allele CA351608535.